The following is an entry in ClinVar:

ClinVar aggregate classification (germline): Conflicting classifications of pathogenicity. Review status: criteria provided, conflicting classifications (1 of 4 stars). 9 submissions from 9 submitters: Uncertain significance (4); Benign (1); Likely benign (4). Last evaluated 2026-08-20.

Conditions:
Cardiovascular phenotype. Identifiers: MedGen CN230736.
Osteogenesis imperfecta (OI). Identifiers: Orphanet 666, MedGen C0029434, MeSH D010013, MONDO:0019019.
Osteogenesis imperfecta type I (OI1). Also called: Lobstein's Disease; Osteogenesis imperfecta type 1; Classic Non-deforming Osteogenesis Imperfecta with Blue Sclerae; OI, TYPE I; OSTEOGENESIS IMPERFECTA TARDA; OSTEOGENESIS IMPERFECTA WITH BLUE SCLERAE. Identifiers: Orphanet 216796, Orphanet 666, MedGen C0023931, MONDO:0008146, OMIM 166200. Disease mechanism: loss of function.

Allele frequency attached by ClinVar (database versions not stated): gnomAD exomes 0.00023 and 0.00036; gnomAD 0.00041 and 0.00038; 1000 Genomes Project 30x 0.00047; 1000 Genomes Project 0.00040; TOPMed 0.00068; ExAC 0.00016; ESP Exome Variant Server 0.00023.
gnomAD v4.1: 601 of 1,614,222 alleles (0.037%); highest among the groups gnomAD compares: Admixed American, 0.088%; 2 homozygotes.

Submissions (9):

Ambry Genetics
Classification: Benign for Cardiovascular phenotype. Last evaluated: 2026-08-20. Review status: criteria provided, single submitter. Criteria: Ambry Variant Classification Scheme 2023. Collection method: clinical testing. Allele origin: germline.

CeGaT Center for Human Genetics Tuebingen
Classification: Likely benign. Last evaluated: 2026-07-01. Review status: criteria provided, single submitter. Criteria: CeGaT Center For Human Genetics Tuebingen Variant Classification Criteria Version 2. Collection method: clinical testing. Allele origin: germline. Affected: yes. Observed: 4 variant alleles.
Comment: COL1A1: BS2

Women's Health and Genetics/Laboratory Corporation of America, LabCorp
Classification: Likely benign. Last evaluated: 2026-06-29. Review status: criteria provided, single submitter. Criteria: LabCorp Variant Classification Summary - May 2015. Collection method: clinical testing. Allele origin: germline.
Comment: Variant summary: COL1A1 c.1882G>A (p.Ala628Thr) results in a non-conservative amino acid change in the encoded protein sequence. Algorithms developed to predict the effect of missense changes on protein structure and function all suggest that this variant is likely to be disruptive. The variant allele was found at a frequency of 0.00023 in 251420 control chromosomes, predominantly at a frequency of 0.0004 within the Latino subpopulation in the gnomAD database. The observed variant frequency within Latino control individuals in the gnomAD database exceeds the estimated maximal expected allele frequency for disease-causing variants in COL1A1. To our knowledge, no occurrence of c.1882G>A in individuals affected with COL1A1-related conditions and no experimental evidence demonstrating its impact on protein function have been reported. ClinVar contains an entry for this variant (Variation ID: 35906). Based on the evidence outlined above, the variant was classified as likely benign.

Labcorp Genetics (formerly Invitae), Labcorp
Classification: Likely benign for Osteogenesis imperfecta type I. Last evaluated: 2026-01-21. Review status: criteria provided, single submitter. Criteria: Invitae Variant Classification Sherloc (09022015). Collection method: clinical testing. Allele origin: germline.

Mayo Clinic Laboratories, Mayo Clinic
Classification: Uncertain significance. Last evaluated: 2024-11-25. Review status: criteria provided, single submitter. Criteria: ACMG Guidelines, 2015. Collection method: clinical testing. Allele origin: germline. Observed: 3 variant alleles.
Comment: BS1, PP2

Blueprint Genetics
Classification: Likely benign. Last evaluated: 2024-09-07. Review status: criteria provided, single submitter. Criteria: ACMG Guidelines, 2015. Collection method: clinical testing. Allele origin: germline.

Baylor Genetics
Classification: Uncertain significance for Osteogenesis imperfecta type I. Last evaluated: 2020-06-26. Review status: criteria provided, single submitter. Criteria: ACMG Guidelines, 2015. Collection method: clinical testing. Allele origin: paternal. Affected: yes.
Comment: This variant was determined to be of uncertain significance according to ACMG Guidelines, 2015 [PMID:25741868].

GeneDx
Classification: Uncertain significance. Last evaluated: 2018-10-26. Review status: criteria provided, single submitter. Criteria: GeneDx Variant Classification (06012015). Collection method: clinical testing. Allele origin: germline. Affected: yes.
Comment: A variant of uncertain significance has been identified in the COL1A1 gene. The A628T variant has not been published as a pathogenic variant, nor has it been reported as a benign variant to our knowledge. The A628T variant is a non-conservative amino acid substitution, which is likely to impact secondary protein structure as these residues differ in polarity, charge, size and/or other properties. This substitution occurs at a position where only amino acids with similar properties to Alanine are tolerated across species. The A628T variant is located in the Gly-Xaa-Yaa triple helical region of the pro-alpha1(I) chain encoded by the COL1A1 gene. However, while triplet glycine substitutions are the most common cause of osteogenesis imperfecta (OI), the effect of missense substitution at the X and Y positions are more difficult to predict. In addition, in silico analysis is inconsistent in its predictions as to whether or not the variant is damaging to the protein structure/function. Furthermore, the Exome Aggregation Consortium (ExAC) and the 1000 Genomes Project reports A628T was observed in 5/11,578 alleles from individuals of Latino background and 2/694 alleles from individuals of Ad Mixed American background, respectively.Therefore, based on the currently available information, it is unclear whether this variant is pathogenic or benign.

Eurofins Ntd Llc (ga)
Classification: Uncertain significance. Last evaluated: 2015-11-25. Review status: criteria provided, single submitter. Criteria: EGL Classification Definitions 2015. Collection method: clinical testing. Allele origin: germline. Observed: 3 variant alleles, 3 heterozygotes.

Literature cited by the submitters: PubMed 28991257 (cited by Ambry Genetics and Mayo Clinic Laboratories, Mayo Clinic); PubMed 34426522 (cited by Mayo Clinic Laboratories, Mayo Clinic).

NM_000088.4(COL1A1):c.1882G>A (p.Ala628Thr)

Gene: COL1A1 (collagen type I alpha 1 chain; minus strand). Cytogenetic location: 17q21.33.
Variant type: single nucleotide variant.
Coding change: c.1882G>A on transcript NM_000088.4 (MANE Select); coding-DNA position 1882, G replaced by A.
Protein change: p.Ala628Thr; replaces alanine 628 with threonine.
Molecular consequence: missense variant.
Genome position (GRCh38, 1-based): chr17:50,192,687, C>T on the plus strand (G>A on the coding strand, the complement: COL1A1 is on the minus strand). VCF-style: chr17-50192687-C-T. GRCh37 (hg19) VCF-style: chr17-48270048-C-T.
Other names: short protein forms A628T.
Identifiers: ClinVar variation 35906 (VCV000035906.68), dbSNP rs113950465, ClinGen allele CA260284.